The following is an entry in ClinVar:

ClinVar aggregate classification (germline): Uncertain significance (1 of 4 stars; one submission).

Submission:

Ambry Genetics
Classification: Uncertain significance. Last evaluated: 2025-10-06. Review status: criteria provided, single submitter. Criteria: Ambry Variant Classification Scheme 2023. Collection method: clinical testing. Allele origin: germline.
Comment: The c.4161_4162delAGinsGT variant, located in coding exon 37 of the KIF1B gene, results from an in-frame deletion of AG and insertion of GT at nucleotide positions 4161 to 4162. This results in the substitution of the aspartic acid residue for a tyrosine residue at codon 1388, an amino acid with highly dissimilar properties. This amino acid position is highly conserved in available vertebrate species. This alteration is predicted to be deleterious by BayesDel in silico analysis. The evidence for this gene-disease relationship is limited; therefore, the clinical significance of this alteration is unclear.

NM_001365951.3(KIF1B):c.4299_4300delinsGT (p.Asp1434Tyr)

Gene: KIF1B (kinesin family member 1B; plus strand). Cytogenetic location: 1p36.22.
Variant type: Indel.
Coding change: c.4299_4300delinsGT on transcript NM_001365951.3 (MANE Select); coding-DNA positions 4299 to 4300, AG replaced by GT.
Protein change: p.Asp1434Tyr; replaces aspartic acid 1434 with tyrosine.
Molecular consequence: missense variant.
Genome position (GRCh38, 1-based): chr1:10,361,820-10,361,821, AG replaced by GT. VCF-style: chr1-10361820-AG-GT. GRCh37 (hg19) VCF-style: chr1-10421878-AG-GT.
Other names: c.4161_4162delAGinsGT (NM_015074.3); c.4299_4300delinsGT, p.Asp1434Tyr (NM_001365952.1); c.4161_4162delinsGT, p.Asp1388Tyr (NM_015074.3); short protein forms D1388Y, D1434Y.
Identifiers: ClinVar variation 4543630 (VCV004543630.1).